The following is an entry in ClinVar:

NM_201548.5(CERKL):c.1390T>G (p.Tyr464Asp)

Gene: CERKL (CERK like autophagy regulator; minus strand). Cytogenetic location: 2q31.3.
Variant type: single nucleotide variant.
Coding change: c.1390T>G on transcript NM_201548.5 (MANE Select); coding-DNA position 1390, T replaced by G.
Protein change: p.Tyr464Asp; replaces tyrosine 464 with aspartic acid.
Molecular consequence: missense variant. On other transcripts: non-coding transcript variant (2).
Genome position (GRCh38, 1-based): chr2:181,539,240, A>C on the plus strand (T>G on the coding strand, the complement: CERKL is on the minus strand). VCF-style: chr2-181539240-A-C. GRCh37 (hg19) VCF-style: chr2-182403967-A-C.
Other names: c.1468T>G, p.Tyr490Asp (NM_001030311.3); c.1051T>G, p.Tyr351Asp (NM_001030312.3); c.1183T>G, p.Tyr395Asp (NM_001030313.3); c.*672T>G (NM_001030314.1, NM_001030315.1); c.1336T>G, p.Tyr446Asp (NM_001160277.2); short protein forms Y351D, Y395D, Y446D, Y464D, Y490D.
Identifiers: ClinVar variation 1719605 (VCV001719605.5), dbSNP rs2468269108, ClinGen allele CA349733445.

ClinVar aggregate classification (germline): Uncertain significance (1 of 4 stars; one submission).

Submission:

Labcorp Genetics (formerly Invitae), Labcorp
Classification: Uncertain significance. Last evaluated: 2022-09-16. Review status: criteria provided, single submitter. Criteria: Invitae Variant Classification Sherloc (09022015). Collection method: clinical testing. Allele origin: germline.
Comment: Advanced modeling of protein sequence and biophysical properties (such as structural, functional, and spatial information, amino acid conservation, physicochemical variation, residue mobility, and thermodynamic stability) performed at Invitae indicates that this missense variant is expected to disrupt CERKL protein function. This variant has not been reported in the literature in individuals affected with CERKL-related conditions. This variant is not present in population databases (gnomAD no frequency). This sequence change replaces tyrosine, which is neutral and polar, with aspartic acid, which is acidic and polar, at codon 490 of the CERKL protein (p.Tyr490Asp). In summary, the available evidence is currently insufficient to determine the role of this variant in disease. Therefore, it has been classified as a Variant of Uncertain Significance.